The following is an entry in ClinVar:

NM_203447.4(DOCK8):c.528+13A>G

Gene: DOCK8 (dedicator of cytokinesis 8; plus strand). Cytogenetic location: 9p24.3.
Variant type: single nucleotide variant.
Coding change: c.528+13A>G on transcript NM_203447.4 (MANE Select); 13 bases into the intron after coding-DNA position 528, A replaced by G.
Molecular consequence: intron variant.
Genome position (GRCh38, 1-based): chr9:304,717, A>G. VCF-style: chr9-304717-A-G. GRCh37 (hg19) VCF-style: chr9-304717-A-G.
Other names: c.324+13A>G (NM_001193536.2, NM_001190458.2).
Identifiers: ClinVar variation 366542 (VCV000366542.20), dbSNP rs116483820, ClinGen allele CA4957270.

ClinVar aggregate classification (germline): Benign. Review status: criteria provided, multiple submitters, no conflicts (2 of 4 stars). 6 submissions from 6 submitters: Benign (6). Last evaluated 2026-02-02.

Conditions:
Combined immunodeficiency due to DOCK8 deficiency (HIES2). Also called: HIES autosomal recessive; Hyper-IgE recurrent infection syndrome, autosomal recessive; HYPER-IgE RECURRENT INFECTION SYNDROME 2, AUTOSOMAL RECESSIVE; HYPER-IgE SYNDROME 2, AUTOSOMAL RECESSIVE, WITH RECURRENT INFECTIONS; DOCK8 Deficiency. Identifiers: Orphanet 217390, MedGen C4722305, MONDO:0009478, OMIM 243700.

Allele frequency attached by ClinVar (database versions not stated): gnomAD exomes 0.00101 and 0.00299; ExAC 0.00350; gnomAD 0.01116 and 0.01176; TOPMed 0.01204; ESP Exome Variant Server 0.01253; 1000 Genomes Project 0.01378; 1000 Genomes Project 30x 0.01562.
gnomAD v4.1: 3,228 of 1,614,134 alleles (0.2%); highest among the groups gnomAD compares: African/African-American, 3.8%; 54 homozygotes.

Submissions (6):

Labcorp Genetics (formerly Invitae), Labcorp
Classification: Benign for Combined immunodeficiency due to DOCK8 deficiency. Last evaluated: 2026-02-02. Review status: criteria provided, single submitter. Criteria: Invitae Variant Classification Sherloc (09022015). Collection method: clinical testing. Allele origin: germline.

Women's Health and Genetics/Laboratory Corporation of America, LabCorp
Classification: Benign. Last evaluated: 2026-01-22. Review status: criteria provided, single submitter. Criteria: LabCorp Variant Classification Summary - May 2015. Collection method: clinical testing. Allele origin: germline.

Illumina Laboratory Services, Illumina
Classification: Benign for Combined immunodeficiency due to DOCK8 deficiency. Last evaluated: 2018-01-12. Review status: criteria provided, single submitter. Criteria: ICSL Variant Classification Criteria 13 December 2019. Collection method: clinical testing. Allele origin: germline.
Comment: This variant was observed in the ICSL laboratory as part of a predisposition screen in an ostensibly healthy population. It had not been previously curated by ICSL or reported in the Human Gene Mutation Database (HGMD: prior to June 1st, 2018), and was therefore a candidate for classification through an automated scoring system. Utilizing variant allele frequency, disease prevalence and penetrance estimates, and inheritance mode, an automated score was calculated to assess if this variant is too frequent to cause the disease. Based on the score and internal cut-off values, a variant classified as benign is not then subjected to further curation. The score for this variant resulted in a classification of benign for this disease.

GeneDx
Classification: Benign. Last evaluated: 2015-03-03. Review status: criteria provided, single submitter. Criteria: GeneDx Variant Classification Process June 2021. Collection method: clinical testing. Allele origin: germline. Affected: yes.

Laboratory for Molecular Medicine, Mass General Brigham Personalized Medicine
Classification: Benign. Last evaluated: 2013-02-21. Review status: criteria provided, single submitter. Criteria: LMM Criteria. Collection method: clinical testing. Allele origin: germline. Observed: 1 variant allele.
Comment: 528+13A>G in intron 5 of DOCK8: This variant is not expected to have clinical si gnificance because it is not located within the conserved splice consensus seque nce. It has been identified in 3.7% (163/4406) of African American chromosomes f rom a broad population by the NHLBI Exome Sequencing Project (dbSNP rs116483820).

Breakthrough Genomics
Classification: Benign. Review status: criteria provided, single submitter. Criteria: ACMG Guidelines, 2015. Collection method: not provided. Allele origin: germline. Inheritance: Autosomal recessive inheritance. Affected: yes.